The following is an entry in ClinVar:

NM_015046.7(SETX):c.4283A>G (p.His1428Arg)

Gene: SETX (senataxin; minus strand). Cytogenetic location: 9q34.13.
Variant type: single nucleotide variant.
Coding change: c.4283A>G on transcript NM_015046.7 (MANE Select); coding-DNA position 4283, A replaced by G.
Protein change: p.His1428Arg; replaces histidine 1428 with arginine.
Molecular consequence: missense variant.
Genome position (GRCh38, 1-based): chr9:132,327,315, T>C on the plus strand (A>G on the coding strand, the complement: SETX is on the minus strand). VCF-style: chr9-132327315-T-C. GRCh37 (hg19) VCF-style: chr9-135202702-T-C.
Other names: c.4283A>G, p.His1428Arg (NM_001351527.2, NM_001351528.2); short protein forms H1428R.
Identifiers: ClinVar variation 1026940 (VCV001026940.17), dbSNP rs778236359, ClinGen allele CA5297230.

ClinVar aggregate classification (germline): Conflicting classifications of pathogenicity. Review status: criteria provided, conflicting classifications (1 of 4 stars). 2 submissions from 2 submitters: Uncertain significance (1); Likely benign (1). Last evaluated 2025-07-29.

Conditions:
Spinocerebellar ataxia, autosomal recessive, with axonal neuropathy 2 (SCAN2). Also called: Ataxia with Oculomotor Apraxia; ATAXIA-OCULOMOTOR APRAXIA 2; Ataxia-ocular apraxia-2; Ataxia with Oculomotor Apraxia Type 2. Identifiers: Orphanet 64753, MedGen C1853761, MONDO:0018996, OMIM 606002.
Amyotrophic lateral sclerosis type 4 (ALS4). Also called: AMYOTROPHIC LATERAL SCLEROSIS 4, JUVENILE; NEURONOPATHY, DISTAL HEREDITARY MOTOR, WITH PYRAMIDAL FEATURES. Identifiers: Orphanet 357043, MedGen C1865409, MONDO:0011223, OMIM 602433.

Allele frequency attached by ClinVar (database versions not stated): ExAC 0.00001; gnomAD 0.00001; gnomAD exomes 0.00001 and 0.00002; TOPMed 0.00001.
gnomAD v4.1: 33 of 1,614,066 alleles (0.002%); highest among the groups gnomAD compares: Non-Finnish European, 0.0027%; no homozygotes.

Submissions (2):

Labcorp Genetics (formerly Invitae), Labcorp
Classification: Likely benign for Amyotrophic lateral sclerosis type 4; Spinocerebellar ataxia, autosomal recessive, with axonal neuropathy 2. Last evaluated: 2025-07-29. Review status: criteria provided, single submitter. Criteria: Invitae Variant Classification Sherloc (09022015). Collection method: clinical testing. Allele origin: germline.

CeGaT Center for Human Genetics Tuebingen
Classification: Uncertain significance. Last evaluated: 2025-07-01. Review status: criteria provided, single submitter. Criteria: CeGaT Center For Human Genetics Tuebingen Variant Classification Criteria Version 2. Collection method: clinical testing. Allele origin: germline. Affected: yes. Observed: 1 variant allele.
Comment: SETX: PM2, BP4